The following is an entry in ClinVar:

NM_203447.4(DOCK8):c.223C>G (p.Leu75Val)

Genes: DOCK8 (dedicator of cytokinesis 8; plus strand), LOC126860552 (BRD4-independent group 4 enhancer GRCh37_chr9:285795-286994; plus strand). Cytogenetic location: 9p24.3.
Variant type: single nucleotide variant.
Coding change: c.223C>G on transcript NM_203447.4 (MANE Select); coding-DNA position 223, C replaced by G.
Protein change: p.Leu75Val; replaces leucine 75 with valine.
Molecular consequence: missense variant.
Genome position (GRCh38, 1-based): chr9:286,527, C>G. VCF-style: chr9-286527-C-G. GRCh37 (hg19) VCF-style: chr9-286527-C-G.
Other names: c.19C>G, p.Leu7Val (NM_001190458.2, NM_001193536.2); short protein forms L75V, L7V.
Identifiers: ClinVar variation 844078 (VCV000844078.10), dbSNP rs368133450, ClinGen allele CA4957137.

ClinVar aggregate classification (germline): Uncertain significance. Review status: criteria provided, multiple submitters, no conflicts (2 of 4 stars). 4 submissions from 4 submitters: Uncertain significance (3). 1 of the submissions does not count toward it. Last evaluated 2024-07-26.

Conditions:
Inborn genetic diseases. Identifiers: MedGen C0950123, MeSH D030342.
Combined immunodeficiency due to DOCK8 deficiency (HIES2). Also called: Hyper-IgE recurrent infection syndrome, autosomal recessive; HIES autosomal recessive; HYPER-IgE RECURRENT INFECTION SYNDROME 2, AUTOSOMAL RECESSIVE; HYPER-IgE SYNDROME 2, AUTOSOMAL RECESSIVE, WITH RECURRENT INFECTIONS; DOCK8 Deficiency. Identifiers: Orphanet 217390, MedGen C4722305, MONDO:0009478, OMIM 243700.

Allele frequency attached by ClinVar (database versions not stated): gnomAD exomes 0.00001 and 0.00004; ExAC 0.00006; 1000 Genomes Project 30x 0.00016; 1000 Genomes Project 0.00020; gnomAD 0.00021 and 0.00023; TOPMed 0.00022; ESP Exome Variant Server 0.00031.
gnomAD v4.1: 56 of 1,614,022 alleles (0.0035%); highest among the groups gnomAD compares: African/African-American, 0.065%; no homozygotes.

Submissions (4):

Ambry Genetics
Classification: Uncertain significance for Inborn genetic diseases. Last evaluated: 2024-07-26. Review status: criteria provided, single submitter. Criteria: Ambry Variant Classification Scheme 2023. Collection method: clinical testing. Allele origin: germline.

Fulgent Genetics
Classification: Uncertain significance for Combined immunodeficiency due to DOCK8 deficiency. Last evaluated: 2024-05-10. Review status: criteria provided, single submitter. Criteria: ACMG Guidelines, 2015. Collection method: clinical testing. Allele origin: germline.

Labcorp Genetics (formerly Invitae), Labcorp
Classification: Uncertain significance for Combined immunodeficiency due to DOCK8 deficiency. Last evaluated: 2022-07-12. Review status: criteria provided, single submitter. Criteria: Invitae Variant Classification Sherloc (09022015). Collection method: clinical testing. Allele origin: germline.
Comment: This sequence change replaces leucine, which is neutral and non-polar, with valine, which is neutral and non-polar, at codon 75 of the DOCK8 protein (p.Leu75Val). This variant is present in population databases (rs368133450, gnomAD 0.07%). This variant has not been reported in the literature in individuals affected with DOCK8-related conditions. ClinVar contains an entry for this variant (Variation ID: 844078). Algorithms developed to predict the effect of missense changes on protein structure and function (SIFT, PolyPhen-2, Align-GVGD) all suggest that this variant is likely to be tolerated. In summary, the available evidence is currently insufficient to determine the role of this variant in disease. Therefore, it has been classified as a Variant of Uncertain Significance.

Genetic Services Laboratory, University of Chicago
Classification: Uncertain significance. Last evaluated: 2022-07-14. Review status: no assertion criteria provided. Collection method: clinical testing. Allele origin: germline. Affected: no. Not counted in ClinVar's aggregate classification.
Comment: DNA sequence analysis of the DOCK8 gene demonstrated a sequence change, c.223C>G, in exon 3 that results in an amino acid change, p.Leu75Val. This sequence change does not appear to have been previously described in individuals with DOCK8-related disorders and has been described in the gnomAD database with a frequency of 0.064% in the African subpopulation and 0.0064% in the overall population (dbSNP rs368133450). The p.Leu75Val change affects a moderately conserved amino acid residue located in a domain of the DOCK8 protein that is known to be functional. The p.Leu75Val substitution appears to be benign using several in-silico pathogenicity prediction tools (SIFT, PolyPhen2, Align GVGD, REVEL). Due to insufficient evidences and the lack of functional studies, the clinical significance of the p.Leu75Val change remains unknown at this time.